The following is an entry in ClinVar:

ClinVar aggregate classification (germline): Uncertain significance (1 of 4 stars; one submission).

Conditions:
Heterotopia, periventricular, X-linked dominant (PVNH1). Also called: PERIVENTRICULAR NODULAR HETEROTOPIA 1; X-linked periventricular heterotopia; PERIVENTRICULAR NODULAR HETEROTOPIA 4; HETEROTOPIA, PERIVENTRICULAR, 1. Identifiers: Orphanet 2149, Orphanet 82004, MedGen C1848213, MONDO:0010233, OMIM 300049.
Melnick-Needles syndrome (MNS). Also called: MELNICK-NEEDLES OSTEODYSPLASTY; OSTEODYSPLASTY OF MELNICK AND NEEDLES; Melnick-Needles Syndrome (FLNA-MNS). Identifiers: Orphanet 2484, MedGen C0025237, MONDO:0010650, OMIM 309350.
Frontometaphyseal dysplasia (FMD1). Identifiers: Orphanet 1826, MedGen C0265293, MONDO:0015942.
Oto-palato-digital syndrome, type II (OPD2). Also called: FACIOPALATOOSSEOUS SYNDROME; OPD II SYNDROME; Otopalatodigital Syndrome Type 2 (FLNA-OPD2); Otopalatodigital Syndrome, Type II. Identifiers: Orphanet 669, Orphanet 90652, MedGen C1844696, MONDO:0010571, OMIM 304120.

Submission:

Labcorp Genetics (formerly Invitae), Labcorp
Classification: Uncertain significance for Oto-palato-digital syndrome, type II; Heterotopia, periventricular, X-linked dominant; Frontometaphyseal dysplasia; Melnick-Needles syndrome. Last evaluated: 2026-01-18. Review status: criteria provided, single submitter. Criteria: Invitae Variant Classification Sherloc (09022015). Collection method: clinical testing. Allele origin: germline.
Comment: This sequence change replaces valine, which is neutral and non-polar, with leucine, which is neutral and non-polar, at codon 2183 of the FLNA protein (p.Val2183Leu). This variant is not present in population databases (gnomAD no frequency). This variant has not been reported in the literature in individuals affected with FLNA-related conditions. Invitae Evidence Modeling of protein sequence and biophysical properties (such as structural, functional, and spatial information, amino acid conservation, physicochemical variation, residue mobility, and thermodynamic stability) indicates that this missense variant is not expected to disrupt FLNA protein function with a negative predictive value of 95%. In summary, the available evidence is currently insufficient to determine the role of this variant in disease. Therefore, it has been classified as a Variant of Uncertain Significance.

NM_001110556.2(FLNA):c.6571G>T (p.Val2191Leu)

Gene: FLNA (filamin A; minus strand). Cytogenetic location: Xq28.
Variant type: single nucleotide variant.
Coding change: c.6571G>T on transcript NM_001110556.2 (MANE Select); coding-DNA position 6571, G replaced by T.
Protein change: p.Val2191Leu; replaces valine 2191 with leucine.
Molecular consequence: missense variant.
Genome position (GRCh38, 1-based): chrX:154,352,379, C>A on the plus strand (G>T on the coding strand, the complement: FLNA is on the minus strand). VCF-style: chrX-154352379-C-A. GRCh37 (hg19) VCF-style: chrX-153580747-C-A.
Other names: c.6547G>T, p.Val2183Leu (NM_001456.4); short protein forms V2183L, V2191L.
Identifiers: ClinVar variation 4794284 (VCV004794284.1).